The following is an entry in ClinVar:

NM_177559.3(CSNK2A1):c.572G>A (p.Arg191Gln)

Gene: CSNK2A1 (casein kinase 2 alpha 1; minus strand). Cytogenetic location: 20p13.
Variant type: single nucleotide variant.
Coding change: c.572G>A on transcript NM_177559.3 (MANE Select); coding-DNA position 572, G replaced by A.
Protein change: p.Arg191Gln; replaces arginine 191 with glutamine.
Molecular consequence: missense variant.
Genome position (GRCh38, 1-based): chr20:492,303, C>T on the plus strand (G>A on the coding strand, the complement: CSNK2A1 is on the minus strand). VCF-style: chr20-492303-C-T. GRCh37 (hg19) VCF-style: chr20-472947-C-T.
Other names: c.572G>A (NM_001895.3); c.572G>A, p.Arg191Gln (NM_001362770.2, NM_001362771.2, NM_001895.4); c.164G>A, p.Arg55Gln (NM_177560.3); short protein forms R191Q, R55Q.
Identifiers: ClinVar variation 2663860 (VCV002663860.2), dbSNP rs2514647017, ClinGen allele CA407931100.

ClinVar aggregate classification (germline): Pathogenic. Review status: criteria provided, multiple submitters, no conflicts (2 of 4 stars). 2 submissions from 2 submitters: Pathogenic (2). Last evaluated 2024-09-13.

Conditions:
Okur-Chung neurodevelopmental syndrome (OCNDS). Identifiers: Orphanet 689422, MedGen C4310739, MONDO:0014893, OMIM 617062.

Submissions (2):

GeneDx
Classification: Pathogenic. Last evaluated: 2024-09-13. Review status: criteria provided, single submitter. Criteria: GeneDx Variant Classification Process June 2021. Collection method: clinical testing. Allele origin: germline. Affected: yes.
Comment: Not observed at significant frequency in large population cohorts (gnomAD); In silico analysis supports that this missense variant has a deleterious effect on protein structure/function; This variant is associated with the following publications: (PMID: 33057194, 35982159, 29240241, 28135719, 29383814, 31785789, 34038195, 36310603, 36588763, 38444259, 36358993, 35693553, 33846249, 33944995)

Institute of Human Genetics, University Hospital of Duesseldorf
Classification: Pathogenic for Okur-Chung neurodevelopmental syndrome. Review status: criteria provided, single submitter. Criteria: ACMG Guidelines, 2015. Collection method: not provided. Allele origin: germline. Inheritance: Autosomal dominant inheritance. Affected: yes.